The following is an entry in ClinVar:

NM_000238.4(KCNH2):c.1689G>C (p.Trp563Cys)

Gene: KCNH2 (potassium voltage-gated channel subfamily H member 2; minus strand). Cytogenetic location: 7q36.1.
Variant type: single nucleotide variant.
Coding change: c.1689G>C on transcript NM_000238.4 (MANE Select); coding-DNA position 1689, G replaced by C.
Protein change: p.Trp563Cys; replaces tryptophan 563 with cysteine.
Molecular consequence: missense variant.
Genome position (GRCh38, 1-based): chr7:150,951,704, C>G on the plus strand (G>C on the coding strand, the complement: KCNH2 is on the minus strand). VCF-style: chr7-150951704-C-G. GRCh37 (hg19) VCF-style: chr7-150648792-C-G.
Other names: p.W563C:TGG>TGC; c.669G>C, p.Trp223Cys (NM_001204798.2, NM_172057.3); c.1401G>C, p.Trp467Cys (NM_001406753.1, NM_001406756.1); c.1512G>C, p.Trp504Cys (NM_001406755.1); c.1389G>C, p.Trp463Cys (NM_001406757.1); c.1689G>C, p.Trp563Cys (NM_172056.3); short protein forms W223C, W563C, W467C, W504C, W463C.
Identifiers: ClinVar variation 200368 (VCV000200368.6), dbSNP rs199473517, ClinGen allele CA005080.

ClinVar aggregate classification (germline): Conflicting classifications of pathogenicity. Review status: criteria provided, conflicting classifications (1 of 4 stars). 2 submissions from 2 submitters: Likely pathogenic (1); Uncertain significance (1). Last evaluated 2026-09-23.

Conditions:
Long QT syndrome (LQTS). Identifiers: MedGen C0023976, MeSH D008133, MONDO:0002442. Disease mechanism: loss of function. Inheritance: Various modes of inheritance.

Submissions (2):

GeneDx
Classification: Likely pathogenic. Last evaluated: 2026-09-23. Review status: criteria provided, single submitter. Criteria: GeneDx Variant Classification Process June 2021. Collection method: clinical testing. Allele origin: germline.
Comment: Not observed at significant frequency in large population cohorts (gnomAD); In silico analysis supports that this missense variant has a deleterious effect on protein structure/function; This variant is associated with the following publications: (PMID: 18441445, 21185501, 32431610, 29766883, 36861347)

Labcorp Genetics (formerly Invitae), Labcorp
Classification: Uncertain significance for Long QT syndrome. Last evaluated: 2025-03-18. Review status: criteria provided, single submitter. Criteria: Invitae Variant Classification Sherloc (09022015). Collection method: clinical testing. Allele origin: germline.
Comment: This sequence change replaces tryptophan, which is neutral and slightly polar, with cysteine, which is neutral and slightly polar, at codon 563 of the KCNH2 protein (p.Trp563Cys). This variant is not present in population databases (gnomAD no frequency). This missense change has been observed in individuals with long QT syndrome (PMID: 18441445, 29766883; internal data). ClinVar contains an entry for this variant (Variation ID: 200368). An algorithm developed to predict the effect of missense changes on protein structure and function (PolyPhen-2) suggests that this variant is likely to be disruptive. This variant disrupts the p.Trp563 amino acid residue in KCNH2. Other variant(s) that disrupt this residue have been observed in individuals with KCNH2-related conditions (PMID: 18441445), which suggests that this may be a clinically significant amino acid residue. In summary, the available evidence is currently insufficient to determine the role of this variant in disease. Therefore, it has been classified as a Variant of Uncertain Significance.

Literature cited by the submitters: PubMed 18441445 (cited by Labcorp Genetics (formerly Invitae), Labcorp); PubMed 29766883 (cited by Labcorp Genetics (formerly Invitae), Labcorp).